The following is an entry in ClinVar:

ClinVar aggregate classification (germline): Likely benign (1 of 4 stars; one submission).

Allele frequency attached by ClinVar (database versions not stated): gnomAD exomes 0.00001; TOPMed 0.00001; gnomAD 0.00002; ExAC 0.00003.
gnomAD v4.1: 14 of 1,607,378 alleles (0.00087%); highest among the groups gnomAD compares: African/African-American, 0.0027%; no homozygotes.

Submission:

CeGaT Center for Human Genetics Tuebingen
Classification: Likely benign. Last evaluated: 2022-11-01. Review status: criteria provided, single submitter. Criteria: CeGaT Center For Human Genetics Tuebingen Variant Classification Criteria Version 2. Collection method: clinical testing. Allele origin: germline. Affected: yes. Observed: 1 variant allele.
Comment: NEU4: BP4, BP7

NM_001167600.3(NEU4):c.840C>T (p.Ile280=)

Gene: NEU4 (neuraminidase 4; plus strand). Cytogenetic location: 2q37.3.
Variant type: single nucleotide variant.
Coding change: c.840C>T on transcript NM_001167600.3 (MANE Select); coding-DNA position 840, C replaced by T.
Protein change: p.Ile280=; no amino-acid change (isoleucine 280 retained).
Molecular consequence: synonymous variant.
Genome position (GRCh38, 1-based): chr2:241,816,433, C>T. VCF-style: chr2-241816433-C-T. GRCh37 (hg19) VCF-style: chr2-242757759-C-T.
Other names: c.879C>T, p.Ile293= (NM_001167599.3); c.840C>T, p.Ile280= (NM_001167601.3, NM_001167602.3); c.876C>T, p.Ile292= (NM_080741.4).
Identifiers: ClinVar variation 2652120 (VCV002652120.24), dbSNP rs745918303, ClinGen allele CA2223028.